The following is an entry in ClinVar:

ClinVar aggregate classification (germline): Uncertain significance (1 of 4 stars; one submission).

Allele frequency attached by ClinVar (database versions not stated): gnomAD exomes below 0.00001; ExAC 0.00001; gnomAD 0.00001; TOPMed 0.00001.
gnomAD v4.1: 4 of 1,614,040 alleles (0.00025%); highest among the groups gnomAD compares: Non-Finnish European, 0.00034%; no homozygotes.

Submission:

Labcorp Genetics (formerly Invitae), Labcorp
Classification: Uncertain significance. Last evaluated: 2022-01-03. Review status: criteria provided, single submitter. Criteria: Invitae Variant Classification Sherloc (09022015). Collection method: clinical testing. Allele origin: germline.
Comment: In summary, the available evidence is currently insufficient to determine the role of this variant in disease. Therefore, it has been classified as a Variant of Uncertain Significance. Algorithms developed to predict the effect of missense changes on protein structure and function (SIFT, PolyPhen-2, Align-GVGD) all suggest that this variant is likely to be tolerated. This variant has not been reported in the literature in individuals affected with KMT2E-related conditions. This variant is present in population databases (rs762185200, gnomAD 0.002%). This sequence change replaces lysine, which is basic and polar, with arginine, which is basic and polar, at codon 1017 of the KMT2E protein (p.Lys1017Arg).

NM_182931.3(KMT2E):c.3050A>G (p.Lys1017Arg)

Gene: KMT2E (lysine methyltransferase 2E (inactive); plus strand). Cytogenetic location: 7q22.3.
Variant type: single nucleotide variant.
Coding change: c.3050A>G on transcript NM_182931.3 (MANE Select); coding-DNA position 3050, A replaced by G.
Protein change: p.Lys1017Arg; replaces lysine 1017 with arginine.
Molecular consequence: missense variant.
Genome position (GRCh38, 1-based): chr7:105,107,507, A>G. VCF-style: chr7-105107507-A-G. GRCh37 (hg19) VCF-style: chr7-104747954-A-G.
Other names: c.3050A>G, p.Lys1017Arg (NM_001410908.1, NM_018682.4); short protein forms K1017R.
Identifiers: ClinVar variation 2051027 (VCV002051027.4), dbSNP rs762185200, ClinGen allele CA4424393.